The following is an entry in ClinVar:

ClinVar aggregate classification (germline): Likely benign (1 of 4 stars; one submission).

gnomAD v4.1: 1 of 1,169,490 alleles (0.000086%); highest among the groups gnomAD compares: Non-Finnish European, 0.00011%; no homozygotes.

Submission:

CeGaT Center for Human Genetics Tuebingen
Classification: Likely benign. Last evaluated: 2026-07-01. Review status: criteria provided, single submitter. Criteria: CeGaT Center For Human Genetics Tuebingen Variant Classification Criteria Version 2. Collection method: clinical testing. Allele origin: germline. Affected: yes. Observed: 1 variant allele.
Comment: B3GALT6: BP4, BP7

NM_080605.4(B3GALT6):c.270G>A (p.Val90=)

Gene: B3GALT6 (beta-1,3-galactosyltransferase 6; plus strand). Cytogenetic location: 1p36.33.
Variant type: single nucleotide variant.
Coding change: c.270G>A on transcript NM_080605.4 (MANE Select); coding-DNA position 270, G replaced by A.
Protein change: p.Val90=; no amino-acid change (valine 90 retained).
Molecular consequence: synonymous variant.
Genome position (GRCh38, 1-based): chr1:1,232,548, G>A. VCF-style: chr1-1232548-G-A. GRCh37 (hg19) VCF-style: chr1-1167928-G-A.
Identifiers: ClinVar variation 5040090 (VCV005040090.1).